The following is an entry in ClinVar:

NM_001330260.2(SCN8A):c.752T>C (p.Leu251Pro)

Gene: SCN8A (sodium voltage-gated channel alpha subunit 8; plus strand). Cytogenetic location: 12q13.13.
Variant type: single nucleotide variant.
Coding change: c.752T>C on transcript NM_001330260.2 (MANE Select); coding-DNA position 752, T replaced by C.
Protein change: p.Leu251Pro; replaces leucine 251 with proline.
Molecular consequence: missense variant.
Genome position (GRCh38, 1-based): chr12:51,699,615, T>C. VCF-style: chr12-51699615-T-C. GRCh37 (hg19) VCF-style: chr12-52093399-T-C.
Other names: c.752T>C, p.Leu251Pro (NM_001177984.3, NM_001369788.1, NM_014191.4); short protein forms L251P.
Identifiers: ClinVar variation 3893314 (VCV003893314.1).

ClinVar aggregate classification (germline): Pathogenic (1 of 4 stars; one submission).

Submission:

GeneDx
Classification: Pathogenic. Last evaluated: 2024-10-24. Review status: criteria provided, single submitter. Criteria: GeneDx Variant Classification Process June 2021. Collection method: clinical testing. Allele origin: germline. Affected: yes.
Comment: In silico analysis supports that this missense variant has a deleterious effect on protein structure/function; Not observed at significant frequency in large population cohorts (gnomAD); This variant is associated with the following publications: (PMID: 34800434, 31031587, 29933521)